The following is an entry in ClinVar:

NM_000093.5(COL5A1):c.2232+4G>C

Gene: COL5A1 (collagen type V alpha 1 chain; plus strand). Cytogenetic location: 9q34.3.
Variant type: single nucleotide variant.
Coding change: c.2232+4G>C on transcript NM_000093.5 (MANE Select); 4 bases into the intron after coding-DNA position 2232, G replaced by C.
Molecular consequence: intron variant.
Genome position (GRCh38, 1-based): chr9:134,767,358, G>C. VCF-style: chr9-134767358-G-C. GRCh37 (hg19) VCF-style: chr9-137659204-G-C.
Other names: c.2232+4G>C (NM_001278074.1).
Identifiers: ClinVar variation 409110 (VCV000409110.45), dbSNP rs1060502257, ClinGen allele CA16612620.

ClinVar aggregate classification (germline): Uncertain significance (1 of 4 stars; one submission).

Conditions:
Ehlers-Danlos syndrome, classic type, 1 (EDSCL1). Also called: EHLERS-DANLOS SYNDROME, GRAVIS TYPE; EHLERS-DANLOS SYNDROME, SEVERE CLASSIC TYPE; Ehlers-Danlos Syndrome, Classic Type, COL5A1-Related; EDS I; Ehlers-Danlos syndrome, type 1. Identifiers: MedGen C0268335, MONDO:0019567, OMIM 130000.

Submission:

Labcorp Genetics (formerly Invitae), Labcorp
Classification: Uncertain significance for Ehlers-Danlos syndrome, classic type, 1. Last evaluated: 2021-09-01. Review status: criteria provided, single submitter. Criteria: Invitae Variant Classification Sherloc (09022015). Collection method: clinical testing. Allele origin: germline.
Comment: This sequence change falls in intron 24 of the COL5A1 gene. It does not directly change the encoded amino acid sequence of the COL5A1 protein. It affects a nucleotide within the consensus splice site of the intron. This variant is not present in population databases (ExAC no frequency). This variant has not been reported in the literature in individuals affected with COL5A1-related conditions. ClinVar contains an entry for this variant (Variation ID: 409110). Variants that disrupt the consensus splice site are a relatively common cause of aberrant splicing (PMID: 17576681, 9536098). Algorithms developed to predict the effect of sequence changes on RNA splicing suggest that this variant is not likely to affect RNA splicing. In summary, the available evidence is currently insufficient to determine the role of this variant in disease. Therefore, it has been classified as a Variant of Uncertain Significance.

Literature cited by the submitters: PubMed 17576681; PubMed 9536098.